The following is an entry in ClinVar:

ClinVar aggregate classification (germline): Uncertain significance. Review status: criteria provided, multiple submitters, no conflicts (2 of 4 stars). 2 submissions from 2 submitters: Uncertain significance (2). Last evaluated 2024-09-06.

Conditions:
Hereditary cancer-predisposing syndrome. Also called: Hereditary Cancer Syndrome; Hereditary neoplastic syndrome; Tumor predisposition; Neoplastic Syndromes, Hereditary. Identifiers: Orphanet 140162, MedGen C0027672, MeSH D009386, MONDO:0015356.
Hereditary breast ovarian cancer syndrome. Also called: Hereditary breast and ovarian cancer syndrome; Hereditary breast and ovarian cancer syndrome (HBOC); BRCA1- and BRCA2-Associated Hereditary Breast and Ovarian Cancer; Breast and ovarian cancer; Hereditary breast and ovarian cancer; Hereditary breast and/or ovarian cancer syndrome. Identifiers: Orphanet 145, MedGen C0677776, MeSH D061325, MONDO:0003582. Disease mechanism: loss of function.

Submissions (3):

Ambry Genetics
Classification: Uncertain significance for Hereditary cancer-predisposing syndrome. Last evaluated: 2024-09-06. Review status: criteria provided, single submitter. Criteria: Ambry Variant Classification Scheme 2023. Collection method: clinical testing. Allele origin: germline.
Comment: The p.V1632L variant (also known as c.4894G>T), located in coding exon 14 of the BRCA1 gene, results from a G to T substitution at nucleotide position 4894. The valine at codon 1632 is replaced by leucine, an amino acid with highly similar properties. One functional study found that this nucleotide substitution had an intermediate impact in a high throughput genome editing haploid cell survival assay (Findlay GM et al. Nature. 2018 Oct;562(7726):217-222). In another study, this variant was found to be functional in a homology directed repair assay (Adamovich AI et al. Am J Hum Genet, 2022 Apr;109:618-630). This amino acid position is poorly conserved in available vertebrate species. In addition, the in silico prediction for this alteration is inconclusive. Based on the available evidence, the clinical significance of this variant remains unclear.

Labcorp Genetics (formerly Invitae), Labcorp
Classification: Uncertain significance for Hereditary breast ovarian cancer syndrome. Last evaluated: 2024-08-21. Review status: criteria provided, single submitter. Criteria: Invitae Variant Classification Sherloc (09022015). Collection method: clinical testing. Allele origin: germline.
Comment: This sequence change replaces valine, which is neutral and non-polar, with leucine, which is neutral and non-polar, at codon 1632 of the BRCA1 protein (p.Val1632Leu). This variant is not present in population databases (gnomAD no frequency). This variant has not been reported in the literature in individuals affected with BRCA1-related conditions. ClinVar contains an entry for this variant (Variation ID: 186979). Invitae Evidence Modeling incorporating data from in vitro experimental studies (PMID: 30209399) indicates that this missense variant is not expected to disrupt BRCA1 function with a negative predictive value of 95%. In summary, the available evidence is currently insufficient to determine the role of this variant in disease. Therefore, it has been classified as a Variant of Uncertain Significance.

Brotman Baty Institute, University of Washington
No classification provided (evidence only). Condition: Breast-ovarian cancer, familial 1. Review status: no classification provided. Collection method: in vitro. Allele origin: not applicable. Functional consequence: function_uncertain_variant. Not counted in ClinVar's aggregate classification.
ClinVar note: "not provided" was previously submitted as the classification for the variant. However, the classification appeared to be based only on an observation of functional data so it was converted to no classification on 2025-07-30.

Literature cited by the submitters: PubMed 30209399 (cited by Ambry Genetics and Labcorp Genetics (formerly Invitae), Labcorp); PubMed 35196514 (cited by Ambry Genetics).

NM_007294.4(BRCA1):c.4894G>T (p.Val1632Leu)

Gene: BRCA1 (BRCA1 DNA repair associated; minus strand). Cytogenetic location: 17q21.31.
Variant type: single nucleotide variant.
Coding change: c.4894G>T on transcript NM_007294.4 (MANE Select); coding-DNA position 4894, G replaced by T.
Protein change: p.Val1632Leu; replaces valine 1632 with leucine.
Molecular consequence: missense variant. On other transcripts: non-coding transcript variant (1).
Genome position (GRCh38, 1-based): chr17:43,071,020, C>A on the plus strand (G>T on the coding strand, the complement: BRCA1 is on the minus strand). VCF-style: chr17-43071020-C-A. GRCh37 (hg19) VCF-style: chr17-41223037-C-A.
Other names: c.4681G>T, p.Val1561Leu (NM_001407904.1, NM_001407906.1, NM_001407907.1 and 12 more transcripts); c.4630G>T, p.Val1544Leu (NM_001407923.1, NM_001407924.1, NM_001407925.1 and 4 more transcripts); c.4627G>T, p.Val1543Leu (NM_001407927.1, NM_001407928.1, NM_001407929.1 and 4 more transcripts); c.4753G>T, p.Val1585Leu (NM_001407942.1, NM_007297.4, NM_001407696.1 and 13 more transcripts); c.4750G>T, p.Val1584Leu (NM_001407943.1, NM_001407944.1, NM_001407945.1 and 21 more transcripts); c.4561G>T, p.Val1521Leu (NM_001407946.1, NM_001407947.1, NM_001407948.1 and 1 more transcripts); c.4558G>T, p.Val1520Leu (NM_001407950.1, NM_001407951.1, NM_001407952.1 and 3 more transcripts); c.4510G>T, p.Val1504Leu (NM_001407962.1, NM_001407960.1); and 70 more; short protein forms V1632L, V528L, V1585L, V1653L, V1544L, V1561L, V1562L, V1589L.
Identifiers: ClinVar variation 186979 (VCV000186979.11), dbSNP rs770193975, ClinGen allele CA003070.